The following is an entry in ClinVar:

ClinVar aggregate classification (germline): Uncertain significance (1 of 4 stars; one submission).

gnomAD v4.1: 2 of 1,614,108 alleles (0.00012%); highest among the groups gnomAD compares: Admixed American, 0.0017%; no homozygotes.

Submission:

Labcorp Genetics (formerly Invitae), Labcorp
Classification: Uncertain significance. Last evaluated: 2023-02-24. Review status: criteria provided, single submitter. Criteria: Invitae Variant Classification Sherloc (09022015). Collection method: clinical testing. Allele origin: germline.
Comment: This variant is present in population databases (no rsID available, gnomAD 0.003%). In summary, the available evidence is currently insufficient to determine the role of this variant in disease. Therefore, it has been classified as a Variant of Uncertain Significance. Advanced modeling of protein sequence and biophysical properties (such as structural, functional, and spatial information, amino acid conservation, physicochemical variation, residue mobility, and thermodynamic stability) performed at Invitae indicates that this missense variant is expected to disrupt FN1 protein function. This variant has not been reported in the literature in individuals affected with FN1-related conditions. This sequence change replaces arginine, which is basic and polar, with glycine, which is neutral and non-polar, at codon 265 of the FN1 protein (p.Arg265Gly).

NM_212482.4(FN1):c.793C>G (p.Arg265Gly)

Gene: FN1 (fibronectin 1; minus strand). Cytogenetic location: 2q35.
Variant type: single nucleotide variant.
Coding change: c.793C>G on transcript NM_212482.4 (MANE Select); coding-DNA position 793, C replaced by G.
Protein change: p.Arg265Gly; replaces arginine 265 with glycine.
Molecular consequence: missense variant.
Genome position (GRCh38, 1-based): chr2:215,428,231, G>C on the plus strand (C>G on the coding strand, the complement: FN1 is on the minus strand). VCF-style: chr2-215428231-G-C. GRCh37 (hg19) VCF-style: chr2-216292954-G-C.
Other names: c.793C>G, p.Arg265Gly (NM_001306129.2, NM_001306130.2, NM_001306131.2 and 14 more transcripts); short protein forms R265G.
Identifiers: ClinVar variation 2840524 (VCV002840524.3), dbSNP rs778648309, ClinGen allele CA350473793.